The following is an entry in ClinVar:

NM_001081.4(CUBN):c.4689T>A (p.Cys1563Ter)

Gene: CUBN (cubilin; minus strand). Cytogenetic location: 10p13.
Variant type: single nucleotide variant.
Coding change: c.4689T>A on transcript NM_001081.4 (MANE Select); coding-DNA position 4689, T replaced by A.
Protein change: p.Cys1563Ter; replaces cysteine 1563 with a stop codon.
Molecular consequence: nonsense.
Genome position (GRCh38, 1-based): chr10:16,982,490, A>T on the plus strand (T>A on the coding strand, the complement: CUBN is on the minus strand). VCF-style: chr10-16982490-A-T. GRCh37 (hg19) VCF-style: chr10-17024489-A-T.
Other names: short protein forms C1563*.
Identifiers: ClinVar variation 1705570 (VCV001705570.2), dbSNP rs558840029, ClinGen allele CA5424307.

ClinVar aggregate classification (germline): Pathogenic. Review status: criteria provided, multiple submitters, no conflicts (2 of 4 stars). 2 submissions from 2 submitters: Pathogenic (2). Last evaluated 2025-10-01.

Conditions:
CUBN-related disorder. Also called: CUBN-related condition.
Proteinuria, chronic benign. Identifiers: MedGen C5394384, MONDO:0030042, OMIM 618884.

Allele frequency attached by ClinVar (database versions not stated): TOPMed 0.00005; gnomAD 0.00009; ExAC 0.00019; 1000 Genomes Project 30x 0.00094; 1000 Genomes Project 0.00100.
gnomAD v4.1: 183 of 1,613,330 alleles (0.011%); highest among the groups gnomAD compares: South Asian, 0.1%; 1 homozygote.

Submissions (2):

PreventionGenetics, part of Exact Sciences
Classification: Pathogenic for CUBN-related condition. Last evaluated: 2025-10-01. Review status: criteria provided, single submitter. Criteria: ACMG Guidelines, 2015. Collection method: clinical testing. Allele origin: germline.
Comment: The CUBN c.4689T>A variant is predicted to result in premature protein termination (p.Cys1563*). This variant, also described as c.4689_4690delinsAT, has been reported in the homozygous state in a pair of siblings with isolated proteinuria (Jayasinghe et al. 2019. PubMed ID: 31438875). It has also been reported in the presumed compound heterozygous state with a second CUBN variant (p.Tyr3018Ser) in an individual with pediatric-onset kidney disease (Table S2, Domingo-Gallego et al. 2022. PubMed ID: 33532864). This variant is reported in 0.12% of alleles in individuals of South Asian descent in gnomAD, including one homozygote. Nonsense variants in CUBN are expected to be pathogenic. This variant is interpreted as pathogenic.

3billion
Classification: Pathogenic for Proteinuria, chronic benign. Last evaluated: 2022-09-01. Review status: criteria provided, single submitter. Criteria: ACMG Guidelines, 2015. Collection method: clinical testing. Allele origin: germline. Affected: yes. Observed: 1 homozygote.
Comment: The variant is observed at an extremely low frequency in the gnomAD v2.1.1 dataset (total allele frequency: 0.017%). Stop-gained (nonsense) is predicted to result in a loss or disruption of normal protein function through nonsense-mediated decay (NMD) or protein truncation. Multiple pathogenic variants are reported downstream of the variant. The variant has been reported to be associated with CUBN -related disorder (Clinvar ID: VCV000974519.2). Therefore, this variant is classified as Pathogenic according to the recommendation of ACMG/AMP guideline.